The following is an entry in ClinVar:

ClinVar aggregate classification (germline): Likely benign. Review status: criteria provided, multiple submitters, no conflicts (2 of 4 stars). 3 submissions from 3 submitters: Likely benign (3). Last evaluated 2026-05-13.

Conditions:
Generalized epilepsy-paroxysmal dyskinesia syndrome (PNKD3). Also called: Generalized epilepsy and paroxysmal dyskinesia; Paroxysmal nonkinesigenic dyskinesia, 3, with or without generalized epilepsy. Identifiers: Orphanet 79137, MedGen C5574945, MONDO:0012276, OMIM 609446.

Allele frequency attached by ClinVar (database versions not stated): ESP Exome Variant Server 0.00008; TOPMed 0.00010.
gnomAD v4.1: 82 of 1,607,812 alleles (0.0051%); highest among the groups gnomAD compares: Non-Finnish European, 0.0062%; no homozygotes.

Submissions (3):

Women's Health and Genetics/Laboratory Corporation of America, LabCorp
Classification: Likely benign. Last evaluated: 2026-05-13. Review status: criteria provided, single submitter. Criteria: LabCorp Variant Classification Summary - May 2015. Collection method: clinical testing. Allele origin: germline.
Comment: Variant summary: KCNMA1 c.1860-20G>T alters a non-conserved nucleotide located at a position not widely known to affect splicing. Consensus agreement among computation tools predict no significant impact on normal splicing. However, these predictions have yet to be confirmed by functional studies. The variant allele was found at a frequency of 3.2e-05 in 249862 control chromosomes. The available data on variant occurrences in the general population are insufficient to allow any conclusion about variant significance. To our knowledge, no occurrence of c.1860-20G>T in individuals affected with KCNMA1-related conditions and no experimental evidence demonstrating its impact on protein function have been reported. ClinVar contains an entry for this variant (Variation ID: 1633431). Based on the evidence outlined above, the variant was classified as likely benign.

Labcorp Genetics (formerly Invitae), Labcorp
Classification: Likely benign for Generalized epilepsy-paroxysmal dyskinesia syndrome. Last evaluated: 2025-11-16. Review status: criteria provided, single submitter. Criteria: Invitae Variant Classification Sherloc (09022015). Collection method: clinical testing. Allele origin: germline.

Blueprint Genetics
Classification: Likely benign. Last evaluated: 2023-10-03. Review status: criteria provided, single submitter. Criteria: ACMG Guidelines, 2015. Collection method: clinical testing. Allele origin: germline.

NM_001161352.2(KCNMA1):c.1860-20G>T

Gene: KCNMA1 (potassium calcium-activated channel subfamily M alpha 1; minus strand). Cytogenetic location: 10q22.3.
Variant type: single nucleotide variant.
Coding change: c.1860-20G>T on transcript NM_001161352.2 (MANE Select); 20 bases into the intron before coding-DNA position 1860, G replaced by T.
Molecular consequence: intron variant.
Genome position (GRCh38, 1-based): chr10:77,027,911, C>A on the plus strand (G>T on the coding strand, the complement: KCNMA1 is on the minus strand). VCF-style: chr10-77027911-C-A. GRCh37 (hg19) VCF-style: chr10-78787669-C-A.
Other names: c.1698-20G>T (NM_001271518.2); c.1860-20G>T (NM_001322832.2, NM_001322829.2, NM_001014797.3 and 7 more transcripts); c.1320-20G>T (NM_001322838.2).
Identifiers: ClinVar variation 1633431 (VCV001633431.10), dbSNP rs200414751, ClinGen allele CA5568319.